The following is an entry in ClinVar:

NM_177438.3(DICER1):c.3493C>G (p.His1165Asp)

Gene: DICER1 (dicer 1, ribonuclease III; minus strand). Cytogenetic location: 14q32.13.
Variant type: single nucleotide variant.
Coding change: c.3493C>G on transcript NM_177438.3 (MANE Select); coding-DNA position 3493, C replaced by G.
Protein change: p.His1165Asp; replaces histidine 1165 with aspartic acid.
Molecular consequence: missense variant. On other transcripts: non-coding transcript variant (6).
Genome position (GRCh38, 1-based): chr14:95,103,903, G>C on the plus strand (C>G on the coding strand, the complement: DICER1 is on the minus strand). VCF-style: chr14-95103903-G-C. GRCh37 (hg19) VCF-style: chr14-95570240-G-C.
Other names: c.3493C>G, p.His1165Asp (NM_001195573.1, NM_001271282.3, NM_001291628.2 and 12 more transcripts); c.3211C>G, p.His1071Asp (NM_001395686.1); c.3088C>G, p.His1030Asp (NM_001395687.1, NM_001395688.1, NM_001395689.1 and 2 more transcripts); c.2926C>G, p.His976Asp (NM_001395691.1); c.1810C>G, p.His604Asp (NM_001395697.1); short protein forms H1030D, H604D, H976D, H1165D, H1071D.
Identifiers: ClinVar variation 3501872 (VCV003501872.1).
Genomic context (GRCh38, chr14:95,103,903, plus strand): 5'-CGAGATTTTGATTGTAAGAAAGACCATTAATTGCTGTAAGATCTGCTGAAACTTCAACGT[G>C]GAGCTTACCAGGGGACTCGCTGAGCAACGTTCTGCAGTTCACAGACATTTGGTCATGATT-3'
Protein context (NP_803187.1, residues 1155-1175): TLLSESPGKL[His1165Asp]VEVSADLTAI

ClinVar aggregate classification (germline): Uncertain significance (1 of 4 stars; one submission).

Conditions:
Hereditary cancer-predisposing syndrome. Also called: Tumor predisposition; Neoplastic Syndromes, Hereditary; Hereditary Cancer Syndrome; Hereditary neoplastic syndrome. Identifiers: Orphanet 140162, MedGen C0027672, MeSH D009386, MONDO:0015356.

Submission:

Ambry Genetics
Classification: Uncertain significance for Hereditary cancer-predisposing syndrome. Last evaluated: 2024-08-03. Review status: criteria provided, single submitter. Criteria: Ambry Variant Classification Scheme 2023. Collection method: clinical testing. Allele origin: germline.
Comment: The p.H1165D variant (also known as c.3493C>G), located in coding exon 20 of the DICER1 gene, results from a C to G substitution at nucleotide position 3493. The histidine at codon 1165 is replaced by aspartic acid, an amino acid with similar properties. This amino acid position is conserved. In addition, this alteration is predicted to be tolerated by in silico analysis. Based on the available evidence, the clinical significance of this variant remains unclear.